The following is an entry in ClinVar:

ClinVar aggregate classification (germline): Uncertain significance (1 of 4 stars; one submission).

Conditions:
Hereditary sensory and autonomic neuropathy type 6. Also called: Neuropathy, hereditary sensory and autonomic, type VI; HSAN VI. Identifiers: Orphanet 314381, MedGen C3539003, MONDO:0013839, OMIM 614653.
Epidermolysis bullosa simplex 3, localized or generalized intermediate, with BP230 deficiency (EBS3). Also called: Epidermolysis bullosa simplex due to BP230 deficiency; Epidermolysis bullosa simplex, autosomal recessive 2. Identifiers: Orphanet 412181, MedGen C3809470, MONDO:0014180, OMIM 615425.

Allele frequency attached by ClinVar (database versions not stated): gnomAD exomes below 0.00001 and 0.00001; gnomAD 0.00001; ExAC 0.00002; TOPMed 0.00002; ESP Exome Variant Server 0.00008.
gnomAD v4.1: 4 of 1,609,922 alleles (0.00025%); highest among the groups gnomAD compares: African/African-American, 0.0053%; no homozygotes.

Submission:

Labcorp Genetics (formerly Invitae), Labcorp
Classification: Uncertain significance for Epidermolysis bullosa simplex 3, localized or generalized intermediate, with BP230 deficiency; Hereditary sensory and autonomic neuropathy type 6. Last evaluated: 2022-07-19. Review status: criteria provided, single submitter. Criteria: Invitae Variant Classification Sherloc (09022015). Collection method: clinical testing. Allele origin: germline.
Comment: In summary, the available evidence is currently insufficient to determine the role of this variant in disease. Therefore, it has been classified as a Variant of Uncertain Significance. Experimental studies and prediction algorithms are not available or were not evaluated, and the functional significance of this variant is currently unknown. This variant has not been reported in the literature in individuals affected with DST-related conditions. This variant is present in population databases (rs370466372, gnomAD 0.02%). This sequence change replaces phenylalanine, which is neutral and non-polar, with leucine, which is neutral and non-polar, at codon 3462 of the DST protein (p.Phe3462Leu). The DST gene has multiple clinically relevant transcripts. This variant occurs in alternate transcript NM_015548.4, and corresponds to NM_001723.5:c.*98215T>C in the primary transcript.

NM_001374736.1(DST):c.18253T>C (p.Phe6085Leu)

Gene: DST (dystonin; minus strand). Cytogenetic location: 6p12.1.
Variant type: single nucleotide variant.
Coding change: c.18253T>C on transcript NM_001374736.1 (MANE Select); coding-DNA position 18253, T replaced by C.
Protein change: p.Phe6085Leu; replaces phenylalanine 6085 with leucine.
Molecular consequence: missense variant.
Genome position (GRCh38, 1-based): chr6:56,517,302, A>G on the plus strand (T>C on the coding strand, the complement: DST is on the minus strand). VCF-style: chr6-56517302-A-G. GRCh37 (hg19) VCF-style: chr6-56382100-A-G.
Other names: c.11896T>C, p.Phe3966Leu (NM_001144769.5); c.11482T>C, p.Phe3828Leu (NM_001144770.2); c.18253T>C, p.Phe6085Leu (NM_001374722.1); c.17293T>C, p.Phe5765Leu (NM_001374729.1); c.11035T>C, p.Phe3679Leu (NM_001374730.1); c.18280T>C, p.Phe6094Leu (NM_001374734.1); c.11362T>C, p.Phe3788Leu (NM_001386100.1, NM_183380.4); c.10384T>C, p.Phe3462Leu (NM_015548.5); short protein forms F3462L, F3679L, F3788L, F3828L, F3966L, F5765L, F6085L, F6094L.
Identifiers: ClinVar variation 1022593 (VCV001022593.9), dbSNP rs370466372, ClinGen allele CA3867245.
Genomic context (GRCh38, chr6:56,517,302, plus strand): 5'-TATGCCCAGATTTAACAAGGTCATCAATAATATCCTTGTGTCTCAAAATCTCCATGGTGA[A>G]TGTCTGTGATTTACCAAAATAAAGACAAAAAATAAAACAAGAAATTGTATGACTAAAATG-3'
Protein context (NP_001361665.1, residues 6075-6095): TSAQLQVQKT[Phe6085Leu]TMEILRHKDI